The following is an entry in ClinVar:

ClinVar aggregate classification (germline): Uncertain significance (1 of 4 stars; one submission).

gnomAD v4.1: 2 of 1,612,002 alleles (0.00012%); highest among the groups gnomAD compares: African/African-American, 0.0027%; no homozygotes.

Submission:

GeneDx
Classification: Uncertain significance. Last evaluated: 2022-03-23. Review status: criteria provided, single submitter. Criteria: GeneDx Variant Classification Process June 2021. Collection method: clinical testing. Allele origin: germline.
Comment: Not observed at significant frequency in large population cohorts (gnomAD); In silico analysis supports that this missense variant does not alter protein structure/function; Has not been previously published as pathogenic or benign to our knowledge; Variants in candidate genes are classified as variants of uncertain significance in accordance with ACMG guidelines (Richards et al., 2015)

NM_014709.4(USP34):c.7459T>A (p.Leu2487Ile)

Gene: USP34 (ubiquitin specific peptidase 34; minus strand). Cytogenetic location: 2p15.
Variant type: single nucleotide variant.
Coding change: c.7459T>A on transcript NM_014709.4 (MANE Select); coding-DNA position 7459, T replaced by A.
Protein change: p.Leu2487Ile; replaces leucine 2487 with isoleucine.
Molecular consequence: missense variant.
Genome position (GRCh38, 1-based): chr2:61,227,203, A>T on the plus strand (T>A on the coding strand, the complement: USP34 is on the minus strand). VCF-style: chr2-61227203-A-T. GRCh37 (hg19) VCF-style: chr2-61454338-A-T.
Other names: short protein forms L2487I.
Identifiers: ClinVar variation 4888130 (VCV004888130.1).